The following is an entry in ClinVar:

ClinVar aggregate classification (germline): Benign/Likely benign. Review status: criteria provided, multiple submitters, no conflicts (2 of 4 stars). 4 submissions from 4 submitters: Benign (1); Likely benign (3). Last evaluated 2026-01-26.

Conditions:
Hereditary cancer-predisposing syndrome. Also called: Neoplastic Syndromes, Hereditary; Tumor predisposition; Hereditary Cancer Syndrome; Hereditary neoplastic syndrome. Identifiers: Orphanet 140162, MedGen C0027672, MeSH D009386, MONDO:0015356.
Ataxia-telangiectasia syndrome (AT). Also called: Cerebello-oculocutaneous telangiectasia; Immunodeficiency with ataxia telangiectasia; ATAXIA-TELANGIECTASIA, COMPLEMENTATION GROUP A; ATAXIA-TELANGIECTASIA, FRESNO VARIANT; Ataxia-telangiectasia; Ataxia-telangiectasia, complementation group D. Identifiers: Orphanet 100, MedGen C0004135, MONDO:0008840, OMIM 208900.
Familial cancer of breast. Also called: Hereditary breast cancer; BREAST CANCER, FAMILIAL; hereditary breast carcinoma. Identifiers: Orphanet 227535, MedGen C0346153, MONDO:0016419, OMIM 114480. Disease mechanism: loss of function.

Allele frequency attached by ClinVar (database versions not stated): gnomAD exomes below 0.00001; TOPMed below 0.00001; gnomAD 0.00001.
gnomAD v4.1: 5 of 1,612,934 alleles (0.00031%); highest among the groups gnomAD compares: Non-Finnish European, 0.00042%; no homozygotes.

Submissions (4):

Labcorp Genetics (formerly Invitae), Labcorp
Classification: Likely benign for Ataxia-telangiectasia syndrome. Last evaluated: 2026-01-26. Review status: criteria provided, single submitter. Criteria: Invitae Variant Classification Sherloc (09022015). Collection method: clinical testing. Allele origin: germline.

Myriad Genetics, Inc.
Classification: Benign for Familial cancer of breast. Last evaluated: 2024-04-23. Review status: criteria provided, single submitter. Criteria: Myriad Autosomal Dominant, Autosomal Recessive and X-Linked Classification Criteria (2023). Collection method: clinical testing. Allele origin: unknown.
Comment: This variant is considered benign. This variant is a silent/synonymous amino acid change and it is not expected to impact splicing.

Department of Pathology and Laboratory Medicine, Sinai Health System
Classification: Likely benign for Familial cancer of breast. Last evaluated: 2024-01-02. Review status: criteria provided, single submitter. Criteria: ACMG Guidelines, 2015. Collection method: clinical testing. Allele origin: germline. Affected: yes.

Ambry Genetics
Classification: Likely benign for Hereditary cancer-predisposing syndrome. Last evaluated: 2020-06-24. Review status: criteria provided, single submitter. Criteria: Ambry Variant Classification Scheme 2023. Collection method: clinical testing. Allele origin: germline.

NM_000051.4(ATM):c.834C>T (p.Val278=)

Gene: ATM (ATM serine/threonine kinase; plus strand). Cytogenetic location: 11q22.3.
Variant type: single nucleotide variant.
Coding change: c.834C>T on transcript NM_000051.4 (MANE Select); coding-DNA position 834, C replaced by T.
Protein change: p.Val278=; no amino-acid change (valine 278 retained).
Molecular consequence: synonymous variant.
Genome position (GRCh38, 1-based): chr11:108,244,959, C>T. VCF-style: chr11-108244959-C-T. GRCh37 (hg19) VCF-style: chr11-108115686-C-T.
Other names: c.834C>T, p.Val278= (NM_001351834.2).
Identifiers: ClinVar variation 1125009 (VCV001125009.13), dbSNP rs2079769316, ClinGen allele CA476744805.